The following is an entry in ClinVar:

NM_000051.4(ATM):c.497-7T>C

Gene: ATM (ATM serine/threonine kinase; plus strand). Cytogenetic location: 11q22.3.
Variant type: single nucleotide variant.
Coding change: c.497-7T>C on transcript NM_000051.4 (MANE Select); 7 bases into the intron before coding-DNA position 497, T replaced by C.
Molecular consequence: intron variant.
Genome position (GRCh38, 1-based): chr11:108,243,946, T>C. VCF-style: chr11-108243946-T-C. GRCh37 (hg19) VCF-style: chr11-108114673-T-C.
Other names: c.497-7T>C (NM_001351834.2).
Identifiers: ClinVar variation 2790568 (VCV002790568.4), dbSNP rs2497127694, ClinGen allele CA2574970431.

ClinVar aggregate classification (germline): Likely benign. Review status: criteria provided, multiple submitters, no conflicts (2 of 4 stars). 2 submissions from 2 submitters: Likely benign (2). Last evaluated 2024-04-19.

Conditions:
Ataxia-telangiectasia syndrome (AT). Also called: Ataxia telangiectasia (A-T); Cerebello-oculocutaneous telangiectasia; Immunodeficiency with ataxia telangiectasia; ATAXIA-TELANGIECTASIA, FRESNO VARIANT; LOUIS-BAR SYNDROME; Ataxia-telangiectasia, complementation group D. Identifiers: Orphanet 100, MedGen C0004135, MONDO:0008840, OMIM 208900.
Familial cancer of breast. Also called: Hereditary breast cancer; BREAST CANCER, FAMILIAL; hereditary breast carcinoma. Identifiers: Orphanet 227535, MedGen C0346153, MONDO:0016419, OMIM 114480. Disease mechanism: loss of function.

Submissions (2):

Myriad Genetics, Inc.
Classification: Likely benign for Familial cancer of breast. Last evaluated: 2024-04-19. Review status: criteria provided, single submitter. Criteria: Myriad Autosomal Dominant, Autosomal Recessive and X-Linked Classification Criteria (2023). Collection method: clinical testing. Allele origin: unknown.
Comment: This variant is considered likely benign. This variant is intronic and is not expected to impact mRNA splicing.

Labcorp Genetics (formerly Invitae), Labcorp
Classification: Likely benign for Ataxia-telangiectasia syndrome. Last evaluated: 2022-12-04. Review status: criteria provided, single submitter. Criteria: Invitae Variant Classification Sherloc (09022015). Collection method: clinical testing. Allele origin: germline.